The following is an entry in ClinVar:

ClinVar aggregate classification (germline): Benign/Likely benign. Review status: criteria provided, multiple submitters, no conflicts (2 of 4 stars). 3 submissions from 2 submitters: Benign (2); Likely benign (1). Last evaluated 2021-05-16.

Conditions:
Charcot-Marie-Tooth disease type 4C (CMT4C). Also called: CHARCOT-MARIE-TOOTH DISEASE, DEMYELINATING, AUTOSOMAL RECESSIVE, TYPE 4C; CMT 4C; Charcot-Marie-Tooth Neuropathy Type 4C (CMT4C); CHARCOT-MARIE-TOOTH DISEASE, DEMYELINATING, TYPE 4C; SH3TC2-Related Hereditary Motor and Sensory Neuropathy. Identifiers: Orphanet 99949, MedGen C1866636, MONDO:0011113, OMIM 601596.
Susceptibility to mononeuropathy of the median nerve, mild. Also called: CARPAL TUNNEL SYNDROME, SUSCEPTIBILITY TO. Identifiers: MedGen C3150596, MONDO:0013237, OMIM 613353.

Allele frequency attached by ClinVar (database versions not stated): gnomAD 0.03085 and 0.03270; TOPMed 0.04517; 1000 Genomes Project 0.05491; 1000 Genomes Project 30x 0.05653.
gnomAD v4.1: 4,985 of 152,216 alleles (3.3%); highest among the groups gnomAD compares: Admixed American, 17%; 308 homozygotes.

Submissions (3):

GeneDx
Classification: Likely benign. Last evaluated: 2021-05-16. Review status: criteria provided, single submitter. Criteria: GeneDx Variant Classification Process June 2021. Collection method: clinical testing. Allele origin: germline. Affected: yes.

Illumina Laboratory Services, Illumina
Classification: Benign for Susceptibility to mononeuropathy of the median nerve, mild. Last evaluated: 2018-01-13. Review status: criteria provided, single submitter. Criteria: ICSL Variant Classification Criteria 13 December 2019. Collection method: clinical testing. Allele origin: germline.
Comment: This variant was observed in the ICSL laboratory as part of a predisposition screen in an ostensibly healthy population. It had not been previously curated by ICSL or reported in the Human Gene Mutation Database (HGMD: prior to June 1st, 2018), and was therefore a candidate for classification through an automated scoring system. Utilizing variant allele frequency, disease prevalence and penetrance estimates, and inheritance mode, an automated score was calculated to assess if this variant is too frequent to cause the disease. Based on the score and internal cut-off values, a variant classified as benign is not then subjected to further curation. The score for this variant resulted in a classification of benign for this disease.

Illumina Laboratory Services, Illumina
Classification: Benign for Charcot-Marie-Tooth disease type 4C. Last evaluated: 2018-01-13. Review status: criteria provided, single submitter. Criteria: ICSL Variant Classification Criteria 13 December 2019. Collection method: clinical testing. Allele origin: germline.
Comment: the same text as in the submission from Illumina Laboratory Services, Illumina above.

NM_024577.4(SH3TC2):c.*11120G>A

Gene: SH3TC2 (SH3 domain and tetratricopeptide repeats 2; minus strand). Cytogenetic location: 5q32.
Variant type: single nucleotide variant.
Coding change: c.*11120G>A on transcript NM_024577.4 (MANE Select); 11120 bases downstream of the stop codon, G replaced by A.
Molecular consequence: 3 prime UTR variant.
Genome position (GRCh38, 1-based): chr5:148,993,591, C>T on the plus strand (G>A on the coding strand, the complement: SH3TC2 is on the minus strand). VCF-style: chr5-148993591-C-T. GRCh37 (hg19) VCF-style: chr5-148373154-C-T.
Identifiers: ClinVar variation 351696 (VCV000351696.6), dbSNP rs2069087, ClinGen allele CA10620638.
Genomic context (GRCh38, chr5:148,993,591, plus strand): 5'-TTGGTGTTTTTAATGTTGTAGTTATAAGCATGGAGTCAAAACACCCTCAGCAATATATCA[C>T]GGAGGTCAAAACGTCTGCCAGACTAAACATAGGTTCAAAATGACAGTTCCAATAAAGGGA-3'